The following is an entry in ClinVar:

ClinVar aggregate classification (germline): Uncertain significance (1 of 4 stars; one submission).

Conditions:
Spastic paraplegia. Identifiers: MedGen C0037772, HP:0001258.

Allele frequency attached by ClinVar (database versions not stated): ExAC 0.00005.

Submission:

Labcorp Genetics (formerly Invitae), Labcorp
Classification: Uncertain significance for Spastic paraplegia. Last evaluated: 2022-09-22. Review status: criteria provided, single submitter. Criteria: Invitae Variant Classification Sherloc (09022015). Collection method: clinical testing. Allele origin: germline.
Comment: Algorithms developed to predict the effect of missense changes on protein structure and function (SIFT, PolyPhen-2, Align-GVGD) all suggest that this variant is likely to be disruptive. This sequence change replaces asparagine, which is neutral and polar, with threonine, which is neutral and polar, at codon 1251 of the L1CAM protein (p.Asn1251Thr). The frequency data for this variant in the population databases is considered unreliable, as metrics indicate poor data quality at this position in the gnomAD database. This variant has not been reported in the literature in individuals affected with L1CAM-related conditions. In summary, the available evidence is currently insufficient to determine the role of this variant in disease. Therefore, it has been classified as a Variant of Uncertain Significance.

NM_001278116.2(L1CAM):c.3752A>C (p.Asn1251Thr)

Gene: L1CAM (L1 cell adhesion molecule; minus strand). Cytogenetic location: Xq28.
Variant type: single nucleotide variant.
Coding change: c.3752A>C on transcript NM_001278116.2 (MANE Select); coding-DNA position 3752, A replaced by C.
Protein change: p.Asn1251Thr; replaces asparagine 1251 with threonine.
Molecular consequence: missense variant.
Genome position (GRCh38, 1-based): chrX:153,862,685, T>G on the plus strand (A>C on the coding strand, the complement: L1CAM is on the minus strand). VCF-style: chrX-153862685-T-G. GRCh37 (hg19) VCF-style: chrX-153128140-T-G.
Other names: c.3752A>C, p.Asn1251Thr (NM_000425.5); c.3725A>C, p.Asn1242Thr (NM_001143963.2); c.3740A>C, p.Asn1247Thr (NM_024003.3); short protein forms N1242T, N1247T, N1251T.
Identifiers: ClinVar variation 1718234 (VCV001718234.5), dbSNP rs201437669, ClinGen allele CA10553876.
Genomic context (GRCh38, chrX:153,862,685, plus strand): 5'-CAAGGCCAGGGGCACAGCATCTCCTGTCCTGGACTCCACTATTCTAGGGCCACGGCAGGG[T>G]TGATGGGGGAAGTGGCCCCTGAGCTGTCATTGCCCCCTGCCGCCTCCTTCTCCTTCTTGC-3'
Protein context (NP_001265045.1, residues 1241-1257): NDSSGATSPI[Asn1251Thr]PAVALE